The following is an entry in ClinVar:

ClinVar aggregate classification (germline): Likely benign. Review status: criteria provided, multiple submitters, no conflicts (2 of 4 stars). 2 submissions from 2 submitters: Likely benign (2). Last evaluated 2026-04-23.

Conditions:
ABCB11-related disorder. Also called: ABCB11-related condition.

Allele frequency attached by ClinVar (database versions not stated): gnomAD 0.00001; gnomAD exomes 0.00001; TOPMed 0.00001; ExAC 0.00010.
gnomAD v4.1: 23 of 1,570,766 alleles (0.0015%); highest among the groups gnomAD compares: East Asian, 0.012%; no homozygotes.

Submissions (2):

PreventionGenetics, part of Exact Sciences
Classification: Likely benign for ABCB11-related condition. Last evaluated: 2026-04-23. Review status: criteria provided, single submitter. Criteria: ACMG Guidelines, 2015. Collection method: clinical testing. Allele origin: germline.
Comment: This variant is classified as likely benign based on ACMG/AMP sequence variant interpretation guidelines (Richards et al. 2015 PMID: 25741868, with internal and published modifications).

Labcorp Genetics (formerly Invitae), Labcorp
Classification: Likely benign. Last evaluated: 2023-09-18. Review status: criteria provided, single submitter. Criteria: Invitae Variant Classification Sherloc (09022015). Collection method: clinical testing. Allele origin: germline.

NM_003742.4(ABCB11):c.2124C>T (p.His708=)

Gene: ABCB11 (ATP binding cassette subfamily B member 11; minus strand). Cytogenetic location: 2q31.1.
Variant type: single nucleotide variant.
Coding change: c.2124C>T on transcript NM_003742.4 (MANE Select); coding-DNA position 2124, C replaced by T.
Protein change: p.His708=; no amino-acid change (histidine 708 retained).
Molecular consequence: synonymous variant.
Genome position (GRCh38, 1-based): chr2:168,964,260, G>A on the plus strand (C>T on the coding strand, the complement: ABCB11 is on the minus strand). VCF-style: chr2-168964260-G-A. GRCh37 (hg19) VCF-style: chr2-169820770-G-A.
Identifiers: ClinVar variation 755112 (VCV000755112.11), dbSNP rs765432258, ClinGen allele CA1951363.